The following is an entry in ClinVar:

ClinVar aggregate classification (germline): Conflicting classifications of pathogenicity. Review status: criteria provided, conflicting classifications (1 of 4 stars). 5 submissions from 5 submitters: Uncertain significance (1); Benign (2); Likely benign (1). 1 of the submissions does not count toward it. Last evaluated 2026-01-19.

Conditions:
ALOX12B-related disorder. Also called: ALOX12B-related condition.

Allele frequency attached by ClinVar (database versions not stated): gnomAD exomes 0.00037 and 0.00058; ExAC 0.00077; gnomAD 0.00218 and 0.00232; TOPMed 0.00222; ESP Exome Variant Server 0.00261; 1000 Genomes Project 0.00280; 1000 Genomes Project 30x 0.00297.
gnomAD v4.1: 882 of 1,614,000 alleles (0.055%); highest among the groups gnomAD compares: African/African-American, 0.71%; 4 homozygotes.

Submissions (5):

Labcorp Genetics (formerly Invitae), Labcorp
Classification: Benign. Last evaluated: 2026-01-19. Review status: criteria provided, single submitter. Criteria: Invitae Variant Classification Sherloc (09022015). Collection method: clinical testing. Allele origin: germline.

GeneDx
Classification: Uncertain significance. Last evaluated: 2024-02-26. Review status: criteria provided, single submitter. Criteria: GeneDx Variant Classification Process June 2021. Collection method: clinical testing. Allele origin: germline. Affected: yes.
Comment: Observed in the apparent homozygous state in a patient from the published literature with congenital ichthyosis, but this individual was also noted to have a potentially causative variant in another gene (PMID: 28544027); In silico analysis supports that this missense variant has a deleterious effect on protein structure/function; This variant is associated with the following publications: (PMID: 28544027)

CeGaT Center for Human Genetics Tuebingen
Classification: Likely benign. Last evaluated: 2023-01-01. Review status: criteria provided, single submitter. Criteria: CeGaT Center For Human Genetics Tuebingen Variant Classification Criteria Version 2. Collection method: clinical testing. Allele origin: germline. Affected: yes. Observed: 1 variant allele.
Comment: ALOX12B: BP4, BS2

Breakthrough Genomics
Classification: Benign. Review status: criteria provided, single submitter. Criteria: ACMG Guidelines, 2015. Collection method: not provided. Allele origin: germline. Inheritance: Autosomal recessive inheritance. Affected: yes.

PreventionGenetics, part of Exact Sciences
Classification: Benign for ALOX12B-related condition. Last evaluated: 2024-01-24. Review status: no assertion criteria provided. Collection method: clinical testing. Allele origin: germline. Not counted in ClinVar's aggregate classification.
Comment: This variant is classified as benign based on ACMG/AMP sequence variant interpretation guidelines (Richards et al. 2015 PMID: 25741868, with internal and published modifications).

NM_001139.3(ALOX12B):c.1229G>T (p.Cys410Phe)

Gene: ALOX12B (arachidonate 12-lipoxygenase, 12R type; minus strand). Cytogenetic location: 17p13.1.
Variant type: single nucleotide variant.
Coding change: c.1229G>T on transcript NM_001139.3 (MANE Select); coding-DNA position 1229, G replaced by T.
Protein change: p.Cys410Phe; replaces cysteine 410 with phenylalanine.
Molecular consequence: missense variant.
Genome position (GRCh38, 1-based): chr17:8,077,036, C>A on the plus strand (G>T on the coding strand, the complement: ALOX12B is on the minus strand). VCF-style: chr17-8077036-C-A. GRCh37 (hg19) VCF-style: chr17-7980354-C-A.
Other names: c.1229G>T (NM_001139.2); short protein forms C410F.
Identifiers: ClinVar variation 1606297 (VCV001606297.36), dbSNP rs138729161, ClinGen allele CA8367370.